The following is an entry in ClinVar:

NM_000257.4(MYH7):c.4814C>A (p.Thr1605Lys)

Genes: MHRT (myosin heavy chain associated RNA transcript; plus strand), MYH7 (myosin heavy chain 7; minus strand), LOC126861897 (BRD4-independent group 4 enhancer GRCh37_chr14:23884455-23885654; plus strand). Cytogenetic location: 14q11.2.
Variant type: single nucleotide variant.
Coding change: c.4814C>A on transcript NM_000257.4 (MANE Select); coding-DNA position 4814, C replaced by A.
Protein change: p.Thr1605Lys; replaces threonine 1605 with lysine.
Molecular consequence: missense variant. On other transcripts: non-coding transcript variant (1).
Genome position (GRCh38, 1-based): chr14:23,416,143, G>T on the plus strand (C>A on the coding strand, the complement: MYH7 is on the minus strand). VCF-style: chr14-23416143-G-T. GRCh37 (hg19) VCF-style: chr14-23885352-G-T.
Other names: c.4814C>A, p.Thr1605Lys (NM_001407004.1); short protein forms T1605K.
Identifiers: ClinVar variation 4860591 (VCV004860591.1).

ClinVar aggregate classification (germline): Uncertain significance (1 of 4 stars; one submission).

Conditions:
Cardiovascular phenotype. Identifiers: MedGen CN230736.

Submission:

Ambry Genetics
Classification: Uncertain significance for Cardiovascular phenotype. Last evaluated: 2026-05-03. Review status: criteria provided, single submitter. Criteria: Ambry Variant Classification Scheme 2023. Collection method: clinical testing. Allele origin: germline.
Comment: The p.T1605K variant (also known as c.4814C>A), located in coding exon 32 of the MYH7 gene, results from a C to A substitution at nucleotide position 4814. The threonine at codon 1605 is replaced by lysine, an amino acid with similar properties. This amino acid position is conserved. In addition, this alteration is predicted to be tolerated by in silico analysis. Based on the available evidence, the clinical significance of this variant remains unclear.